The following is an entry in ClinVar:

ClinVar aggregate classification (germline): Uncertain significance. Review status: criteria provided, multiple submitters, no conflicts (2 of 4 stars). 2 submissions from 2 submitters: Uncertain significance (2). Last evaluated 2024-02-27.

Conditions:
SRP72-related disorder. Also called: SRP72-related condition.

Allele frequency attached by ClinVar (database versions not stated): TOPMed below 0.00001; gnomAD 0.00001.
gnomAD v4.1: 2 of 1,614,008 alleles (0.00012%); highest among the groups gnomAD compares: Admixed American, 0.0033%; no homozygotes.

Submissions (2):

Labcorp Genetics (formerly Invitae), Labcorp
Classification: Uncertain significance. Last evaluated: 2024-02-27. Review status: criteria provided, single submitter. Criteria: Invitae Variant Classification Sherloc (09022015). Collection method: clinical testing. Allele origin: germline.
Comment: This sequence change replaces serine, which is neutral and polar, with cysteine, which is neutral and slightly polar, at codon 332 of the SRP72 protein (p.Ser332Cys). This variant is not present in population databases (gnomAD no frequency). This variant has not been reported in the literature in individuals affected with SRP72-related conditions. ClinVar contains an entry for this variant (Variation ID: 2133051). Advanced modeling of protein sequence and biophysical properties (such as structural, functional, and spatial information, amino acid conservation, physicochemical variation, residue mobility, and thermodynamic stability) has been performed at Invitae for this missense variant, however the output from this modeling did not meet the statistical confidence thresholds required to predict the impact of this variant on SRP72 protein function. In summary, the available evidence is currently insufficient to determine the role of this variant in disease. Therefore, it has been classified as a Variant of Uncertain Significance.

PreventionGenetics, part of Exact Sciences
Classification: Uncertain significance for SRP72-related condition. Last evaluated: 2023-05-31. Review status: criteria provided, single submitter. Criteria: ACMG Guidelines, 2015. Collection method: clinical testing. Allele origin: germline.
Comment: The SRP72 c.995C>G variant is predicted to result in the amino acid substitution p.Ser332Cys. To our knowledge, this variant has not been reported in the literature or in a large population database, indicating this variant is rare. This variant is interpreted as a variant of uncertain significance in ClinVar. At this time, the clinical significance of this variant is uncertain due to the absence of conclusive functional and genetic evidence.

NM_006947.4(SRP72):c.995C>G (p.Ser332Cys)

Gene: SRP72 (signal recognition particle 72; plus strand). Cytogenetic location: 4q12.
Variant type: single nucleotide variant.
Coding change: c.995C>G on transcript NM_006947.4 (MANE Select); coding-DNA position 995, C replaced by G.
Protein change: p.Ser332Cys; replaces serine 332 with cysteine.
Molecular consequence: missense variant. On other transcripts: non-coding transcript variant (1).
Genome position (GRCh38, 1-based): chr4:56,484,773, C>G. VCF-style: chr4-56484773-C-G. GRCh37 (hg19) VCF-style: chr4-57350939-C-G.
Other names: c.812C>G, p.Ser271Cys (NM_001267722.2); c.995C>G (NM_006947.3); short protein forms S271C, S332C.
Identifiers: ClinVar variation 2133051 (VCV002133051.5), dbSNP rs1720640475, ClinGen allele CA356999877.